The following is an entry in ClinVar:

ClinVar aggregate classification (germline): Uncertain significance. Review status: criteria provided, multiple submitters, no conflicts (2 of 4 stars). 2 submissions from 2 submitters: Uncertain significance (2). Last evaluated 2024-03-01.

Allele frequency attached by ClinVar (database versions not stated): TOPMed below 0.00001; ExAC 0.00001; gnomAD 0.00001; gnomAD exomes 0.00001; ESP Exome Variant Server 0.00008.
gnomAD v4.1: 13 of 1,613,856 alleles (0.00081%); highest among the groups gnomAD compares: Non-Finnish European, 0.001%; no homozygotes.

Submissions (2):

CeGaT Center for Human Genetics Tuebingen
Classification: Uncertain significance. Last evaluated: 2024-03-01. Review status: criteria provided, single submitter. Criteria: CeGaT Center For Human Genetics Tuebingen Variant Classification Criteria Version 2. Collection method: clinical testing. Allele origin: germline. Affected: yes. Observed: 1 variant allele.
Comment: FAT1: PM2

Labcorp Genetics (formerly Invitae), Labcorp
Classification: Uncertain significance. Last evaluated: 2022-08-31. Review status: criteria provided, single submitter. Criteria: Invitae Variant Classification Sherloc (09022015). Collection method: clinical testing. Allele origin: germline.
Comment: This sequence change replaces glycine, which is neutral and non-polar, with serine, which is neutral and polar, at codon 1957 of the FAT1 protein (p.Gly1957Ser). This variant is present in population databases (rs372381312, gnomAD 0.002%). In summary, the available evidence is currently insufficient to determine the role of this variant in disease. Therefore, it has been classified as a Variant of Uncertain Significance. Algorithms developed to predict the effect of missense changes on protein structure and function (SIFT, PolyPhen-2, Align-GVGD) all suggest that this variant is likely to be disruptive. This variant has not been reported in the literature in individuals affected with FAT1-related conditions.

NM_005245.4(FAT1):c.5869G>A (p.Gly1957Ser)

Gene: FAT1 (FAT atypical cadherin 1; minus strand). Cytogenetic location: 4q35.2.
Variant type: single nucleotide variant.
Coding change: c.5869G>A on transcript NM_005245.4 (MANE Select); coding-DNA position 5869, G replaced by A.
Protein change: p.Gly1957Ser; replaces glycine 1957 with serine.
Molecular consequence: missense variant.
Genome position (GRCh38, 1-based): chr4:186,620,717, C>T on the plus strand (G>A on the coding strand, the complement: FAT1 is on the minus strand). VCF-style: chr4-186620717-C-T. GRCh37 (hg19) VCF-style: chr4-187541871-C-T.
Other names: short protein forms G1957S.
Identifiers: ClinVar variation 1915091 (VCV001915091.26), dbSNP rs372381312, ClinGen allele CA3166363.